The following is an entry in ClinVar:

ClinVar aggregate classification (germline): Conflicting classifications of pathogenicity. Review status: criteria provided, conflicting classifications (1 of 4 stars). 3 submissions from 3 submitters: Uncertain significance (2); Likely benign (1). Last evaluated 2025-10-08.

Conditions:
Inborn genetic diseases. Identifiers: MedGen C0950123, MeSH D030342.
STN1-related disorder. Also called: STN1-related condition.

Allele frequency attached by ClinVar (database versions not stated): 1000 Genomes Project 30x 0.00094; 1000 Genomes Project 0.00100; ESP Exome Variant Server 0.00100.
gnomAD v4.1: 167 of 1,614,066 alleles (0.01%); highest among the groups gnomAD compares: African/African-American, 0.2%; 1 homozygote.

Submissions (3):

Labcorp Genetics (formerly Invitae), Labcorp
Classification: Uncertain significance. Last evaluated: 2025-10-08. Review status: criteria provided, single submitter. Criteria: Invitae Variant Classification Sherloc (09022015). Collection method: clinical testing. Allele origin: germline.
Comment: This sequence change replaces serine, which is neutral and polar, with cysteine, which is neutral and slightly polar, at codon 14 of the STN1 protein (p.Ser14Cys). This variant is present in population databases (rs147944034, gnomAD 0.2%). This variant has not been reported in the literature in individuals affected with STN1-related conditions. ClinVar contains an entry for this variant (Variation ID: 1364958). Invitae Evidence Modeling of protein sequence and biophysical properties (such as structural, functional, and spatial information, amino acid conservation, physicochemical variation, residue mobility, and thermodynamic stability) indicates that this missense variant is expected to disrupt STN1 protein function with a positive predictive value of 80%. In summary, the available evidence is currently insufficient to determine the role of this variant in disease. Therefore, it has been classified as a Variant of Uncertain Significance.

PreventionGenetics, part of Exact Sciences
Classification: Likely benign for STN1-related condition. Last evaluated: 2025-01-07. Review status: criteria provided, single submitter. Criteria: ACMG Guidelines, 2015. Collection method: clinical testing. Allele origin: germline.
Comment: This variant is classified as likely benign based on ACMG/AMP sequence variant interpretation guidelines (Richards et al. 2015 PMID: 25741868, with internal and published modifications).

Ambry Genetics
Classification: Uncertain significance for Inborn genetic diseases. Last evaluated: 2024-12-31. Review status: criteria provided, single submitter. Criteria: Ambry Variant Classification Scheme 2023. Collection method: clinical testing. Allele origin: germline.

NM_024928.5(STN1):c.41C>G (p.Ser14Cys)

Gene: STN1 (STN1 subunit of CST complex; minus strand). Cytogenetic location: 10q24.33.
Variant type: single nucleotide variant.
Coding change: c.41C>G on transcript NM_024928.5 (MANE Select); coding-DNA position 41, C replaced by G.
Protein change: p.Ser14Cys; replaces serine 14 with cysteine.
Molecular consequence: missense variant.
Genome position (GRCh38, 1-based): chr10:103,917,554, G>C on the plus strand (C>G on the coding strand, the complement: STN1 is on the minus strand). VCF-style: chr10-103917554-G-C. GRCh37 (hg19) VCF-style: chr10-105677312-G-C.
Other names: c.41C>G (NM_024928.4); short protein forms S14C.
Identifiers: ClinVar variation 1364958 (VCV001364958.6), dbSNP rs147944034, ClinGen allele CA5676747.